The following is an entry in ClinVar:

ClinVar aggregate classification (germline): Likely benign. Review status: criteria provided, multiple submitters, no conflicts (2 of 4 stars). 7 submissions from 7 submitters: Likely benign (5). 2 of the submissions do not count toward it. Last evaluated 2026-04-01.

Conditions:
Idiopathic generalized epilepsy. Also called: EIG; Generalised epilepsy. Identifiers: MedGen C0270850, MONDO:0005579, OMIM 600669.
RBFOX1-related disorder. Also called: RBFOX1-related condition.
Self-limited epilepsy with centrotemporal spikes. Also called: Childhood epilepsy with centrotemporal spikes; Rolandic epilepsy. Identifiers: Orphanet 1945, MedGen C0376532, MONDO:0007295.

Allele frequency attached by ClinVar (database versions not stated): 1000 Genomes Project 30x 0.00031; 1000 Genomes Project 0.00040; gnomAD 0.00156; TOPMed 0.00184; ESP Exome Variant Server 0.00185; gnomAD exomes 0.00185 and 0.00193; ExAC 0.00191.
gnomAD v4.1: 3,040 of 1,612,934 alleles (0.19%); highest among the groups gnomAD compares: Middle Eastern, 0.28%; 8 homozygotes.

Submissions (11):

CeGaT Center for Human Genetics Tuebingen
Classification: Likely benign. Last evaluated: 2026-04-01. Review status: criteria provided, single submitter. Criteria: CeGaT Center For Human Genetics Tuebingen Variant Classification Criteria Version 2. Collection method: clinical testing. Allele origin: germline. Affected: yes. Observed: 1 variant allele.
Comment: RBFOX1: BP4

Labcorp Genetics (formerly Invitae), Labcorp
Classification: Likely benign for Idiopathic generalized epilepsy. Last evaluated: 2026-02-03. Review status: criteria provided, single submitter. Criteria: Invitae Variant Classification Sherloc (09022015). Collection method: clinical testing. Allele origin: germline.

Blueprint Genetics
Classification: Likely benign. Last evaluated: 2024-11-19. Review status: criteria provided, single submitter. Criteria: ACMG Guidelines, 2015. Collection method: clinical testing. Allele origin: germline.

Athena Diagnostics
Classification: Likely benign. Last evaluated: 2018-11-01. Review status: criteria provided, single submitter. Criteria: Athena Diagnostics Criteria. Collection method: clinical testing. Allele origin: germline.

Breakthrough Genomics
Classification: Likely benign. Review status: criteria provided, single submitter. Criteria: ACMG Guidelines, 2015. Collection method: not provided. Allele origin: germline. Inheritance: Unknown mechanism. Affected: yes.

PreventionGenetics, part of Exact Sciences
Classification: Likely benign for RBFOX1-related condition. Last evaluated: 2022-07-28. Review status: no assertion criteria provided. Collection method: clinical testing. Allele origin: germline. Not counted in ClinVar's aggregate classification.
Comment: This variant is classified as likely benign based on ACMG/AMP sequence variant interpretation guidelines (Richards et al. 2015 PMID: 25741868, with internal and published modifications).

Bioinformatics Core, Luxembourg Center for Systems Biomedicine
Classification: Pathogenic for Self-limited epilepsy with centrotemporal spikes. Last evaluated: 2017-01-01. Review status: no assertion criteria provided. Collection method: case-control. Allele origin: germline. Affected: yes. Study: EUROEPINOMICS COGIE. Not counted in ClinVar's aggregate classification.

Dr. Peter K. Rogan Lab, Western University
No classification provided (evidence only). Condition: Clear cell carcinoma of kidney. Review status: no classification provided. Collection method: in vitro. Allele origin: not applicable. Functional consequence: retained intron. Not counted in ClinVar's aggregate classification.

Dr. Peter K. Rogan Lab, Western University
No classification provided (evidence only). Condition: Lung cancer. Review status: no classification provided. Collection method: in vitro. Allele origin: not applicable. Functional consequence: retained intron. Not counted in ClinVar's aggregate classification.

Dr. Peter K. Rogan Lab, Western University
No classification provided (evidence only). Condition: Ovarian serous cystadenocarcinoma. Review status: no classification provided. Collection method: in vitro. Allele origin: not applicable. Functional consequence: retained intron. Not counted in ClinVar's aggregate classification.

Dr. Peter K. Rogan Lab, Western University
No classification provided (evidence only). Condition: Malignant tumor of esophagus. Review status: no classification provided. Collection method: in vitro. Allele origin: not applicable. Functional consequence: retained intron. Not counted in ClinVar's aggregate classification.

Literature cited by the submitters: PubMed 28346479 (cited by Athena Diagnostics); PubMed 29358611 (cited by Athena Diagnostics and Bioinformatics Core, Luxembourg Center for Systems Biomedicine).

NM_018723.4(RBFOX1):c.1057G>A (p.Gly353Ser)

Genes: RBFOX1 (RNA binding fox-1 homolog 1; plus strand), LOC126862279 (MED14-independent group 3 enhancer GRCh37_chr16:7758954-7760153; plus strand). Cytogenetic location: 16p13.3.
Variant type: single nucleotide variant.
Coding change: c.1057G>A on transcript NM_018723.4 (MANE Select); coding-DNA position 1057, G replaced by A.
Protein change: p.Gly353Ser; replaces glycine 353 with serine.
Molecular consequence: missense variant. On other transcripts: synonymous variant (2).
Genome position (GRCh38, 1-based): chr16:7,709,117, G>A. VCF-style: chr16-7709117-G-A. GRCh37 (hg19) VCF-style: chr16-7759119-G-A.
Other names: c.1186G>A, p.Gly396Ser (NM_001308117.1); c.976G>A, p.Gly326Ser (NM_001142333.2); c.1057G>A, p.Gly353Ser (NM_001142334.2); c.1110G>A, p.Thr370= (NM_001364800.2); c.1120G>A, p.Gly374Ser (NM_145891.3, NM_145892.3); c.1173G>A, p.Thr391= (NM_145893.3); short protein forms G353S, G396S, G374S, G326S.
Identifiers: ClinVar variation 433121 (VCV000433121.21), dbSNP rs145873257, ClinGen allele CA7891966.